The following is an entry in ClinVar:

NM_022089.4(ATP13A2):c.656A>G (p.Asn219Ser)

Gene: ATP13A2 (ATPase cation transporting 13A2; minus strand). Cytogenetic location: 1p36.13.
Variant type: single nucleotide variant.
Coding change: c.656A>G on transcript NM_022089.4 (MANE Select); coding-DNA position 656, A replaced by G.
Protein change: p.Asn219Ser; replaces asparagine 219 with serine.
Molecular consequence: missense variant.
Genome position (GRCh38, 1-based): chr1:17,002,083, T>C on the plus strand (A>G on the coding strand, the complement: ATP13A2 is on the minus strand). VCF-style: chr1-17002083-T-C. GRCh37 (hg19) VCF-style: chr1-17328578-T-C.
Other names: c.641A>G, p.Asn214Ser (NM_001141973.3, NM_001141974.3); short protein forms N219S, N214S.
Identifiers: ClinVar variation 582385 (VCV000582385.4), dbSNP rs776406555, ClinGen allele CA637540.

ClinVar aggregate classification (germline): Uncertain significance (1 of 4 stars; one submission).

Conditions:
Kufor-Rakeb syndrome (KRS). Also called: PARKINSON DISEASE 9, AUTOSOMAL RECESSIVE, JUVENILE-ONSET. Identifiers: Orphanet 306674, Orphanet 314632, MedGen C1847640, MONDO:0011706, OMIM 606693.
Autosomal recessive spastic paraplegia type 78. Identifiers: Orphanet 513436, MedGen C5567893, MONDO:0014975, OMIM 617225.

Allele frequency attached by ClinVar (database versions not stated): TOPMed 0.00001; gnomAD 0.00002; gnomAD exomes 0.00002 and 0.00004; ExAC 0.00003.
gnomAD v4.1: 66 of 1,613,696 alleles (0.0041%); highest among the groups gnomAD compares: Non-Finnish European, 0.0054%; no homozygotes.

Submission:

Labcorp Genetics (formerly Invitae), Labcorp
Classification: Uncertain significance for Kufor-Rakeb syndrome; Autosomal recessive spastic paraplegia type 78. Last evaluated: 2023-08-30. Review status: criteria provided, single submitter. Criteria: Invitae Variant Classification Sherloc (09022015). Collection method: clinical testing. Allele origin: germline.
Comment: This sequence change replaces asparagine, which is neutral and polar, with serine, which is neutral and polar, at codon 219 of the ATP13A2 protein (p.Asn219Ser). This variant is present in population databases (rs776406555, gnomAD 0.004%). This variant has not been reported in the literature in individuals affected with ATP13A2-related conditions. ClinVar contains an entry for this variant (Variation ID: 582385). Advanced modeling of protein sequence and biophysical properties (such as structural, functional, and spatial information, amino acid conservation, physicochemical variation, residue mobility, and thermodynamic stability) performed at Invitae indicates that this missense variant is expected to disrupt ATP13A2 protein function. In summary, the available evidence is currently insufficient to determine the role of this variant in disease. Therefore, it has been classified as a Variant of Uncertain Significance.